The following is an entry in ClinVar:

NM_003482.4(KMT2D):c.9905C>T (p.Ser3302Phe)

Gene: KMT2D (lysine methyltransferase 2D; minus strand). Cytogenetic location: 12q13.12.
Variant type: single nucleotide variant.
Coding change: c.9905C>T on transcript NM_003482.4 (MANE Select); coding-DNA position 9905, C replaced by T.
Protein change: p.Ser3302Phe; replaces serine 3302 with phenylalanine.
Molecular consequence: missense variant.
Genome position (GRCh38, 1-based): chr12:49,037,451, G>A on the plus strand (C>T on the coding strand, the complement: KMT2D is on the minus strand). VCF-style: chr12-49037451-G-A. GRCh37 (hg19) VCF-style: chr12-49431234-G-A.
Other names: short protein forms S3302F.
Identifiers: ClinVar variation 2501841 (VCV002501841.1), dbSNP rs1565785850, ClinGen allele CA384733890.

ClinVar aggregate classification (germline): Uncertain significance (1 of 4 stars; one submission).

Submission:

GeneDx
Classification: Uncertain significance. Last evaluated: 2022-11-08. Review status: criteria provided, single submitter. Criteria: GeneDx Variant Classification Process June 2021. Collection method: clinical testing. Allele origin: germline. Affected: yes.
Comment: Not observed at significant frequency in large population cohorts (gnomAD); In silico analysis supports that this missense variant does not alter protein structure/function; Has not been previously published as pathogenic or benign to our knowledge